The following is an entry in ClinVar:

NM_015046.7(SETX):c.7151del (p.Cys2384fs)

Gene: SETX (senataxin; minus strand). Cytogenetic location: 9q34.13.
Variant type: Deletion.
Coding change: c.7151del on transcript NM_015046.7 (MANE Select); coding-DNA position 7151, one base deleted (G; older notation c.7151delG).
Protein change: p.Cys2384fs; shifts the reading frame from cysteine 2384.
Molecular consequence: frameshift variant.
Genome position (GRCh38, 1-based): chr9:132,271,758, C deleted on the plus strand (G on the coding strand, the reverse complement: SETX is on the minus strand). VCF-style (leftmost placement, unchanged base first): chr9-132271757-AC-A. GRCh37 (hg19) VCF-style: chr9-135147144-AC-A.
Other names: c.7151del, p.Cys2384fs (NM_001351527.2, NM_001351528.2); short protein forms C2384fs.
Identifiers: ClinVar variation 3751799 (VCV003751799.2).
Genomic context (GRCh38, chr9:132,271,757, plus strand): 5'-GACAGTAACTCACCCAATTGAACCTTGGATGCTATTTGCTCTGACACACGTAACAATAAC[AC>A]AATCCTTCTGCCGACCCTGGAATGCATCCACAGTGTCTACTTCTGCTGGTCTATTTACAA-3'

ClinVar aggregate classification (germline): Pathogenic (1 of 4 stars; one submission).

Conditions:
Spinocerebellar ataxia, autosomal recessive, with axonal neuropathy 2 (SCAN2). Also called: ATAXIA-OCULOMOTOR APRAXIA 2; Ataxia with Oculomotor Apraxia Type 2; Ataxia-ocular apraxia-2; Ataxia with Oculomotor Apraxia. Identifiers: Orphanet 64753, MedGen C1853761, MONDO:0018996, OMIM 606002.
Amyotrophic lateral sclerosis type 4 (ALS4). Also called: NEURONOPATHY, DISTAL HEREDITARY MOTOR, WITH PYRAMIDAL FEATURES; AMYOTROPHIC LATERAL SCLEROSIS 4, JUVENILE. Identifiers: Orphanet 357043, MedGen C1865409, MONDO:0011223, OMIM 602433.

Submission:

Labcorp Genetics (formerly Invitae), Labcorp
Classification: Pathogenic for Amyotrophic lateral sclerosis type 4; Spinocerebellar ataxia, autosomal recessive, with axonal neuropathy 2. Last evaluated: 2024-09-29. Review status: criteria provided, single submitter. Criteria: Invitae Variant Classification Sherloc (09022015). Collection method: clinical testing. Allele origin: germline.
Comment: This sequence change creates a premature translational stop signal (p.Cys2384Leufs*25) in the SETX gene. It is expected to result in an absent or disrupted protein product. Loss-of-function variants in SETX are known to be pathogenic (PMID: 14770181). This variant is not present in population databases (gnomAD no frequency). This variant has not been reported in the literature in individuals affected with SETX-related conditions. For these reasons, this variant has been classified as Pathogenic.

Literature cited by the submitters: PubMed 14770181.